The following is an entry in ClinVar:

NM_020070.4(IGLL1):c.421del (p.Tyr141fs)

Gene: IGLL1 (immunoglobulin lambda like polypeptide 1; minus strand). Cytogenetic location: 22q11.23.
Variant type: Deletion.
Coding change: c.421del on transcript NM_020070.4 (MANE Select); coding-DNA position 421, one base deleted (T; older notation c.421delT).
Protein change: p.Tyr141fs; shifts the reading frame from tyrosine 141.
Molecular consequence: frameshift variant. On other transcripts: 3 prime UTR variant (1).
Genome position (GRCh38, 1-based): chr22:23,573,487, A deleted on the plus strand (T on the coding strand, the reverse complement: IGLL1 is on the minus strand); the first of 4 consecutive A bases (chr22:23,573,487-23,573,490); deleting any one gives the same sequence. VCF-style (leftmost placement, unchanged base first): chr22-23573486-TA-T. GRCh37 (hg19) VCF-style: chr22-23915673-TA-T.
Other names: c.424del, p.Tyr142fs (NM_001369906.1); c.*50del (NM_152855.3); short protein forms Y141fs, Y142fs.
Identifiers: ClinVar variation 962416 (VCV000962416.11), dbSNP rs765603007, ClinGen allele CA10143280.

ClinVar aggregate classification (germline): Uncertain significance. Review status: criteria provided, multiple submitters, no conflicts (2 of 4 stars). 3 submissions from 3 submitters: Uncertain significance (2). 1 of the submissions does not count toward it. Last evaluated 2024-02-26.

Conditions:
Agammaglobulinemia 2, autosomal recessive (AGM2). Also called: AGAMMAGLOBULINEMIA, AUTOSOMAL RECESSIVE, DUE TO IGLL1 DEFECT. Identifiers: MedGen C3150750, MONDO:0013287, OMIM 613500.
IGLL1-related condition.

Submissions (3):

Labcorp Genetics (formerly Invitae), Labcorp
Classification: Uncertain significance for Agammaglobulinemia 2, autosomal recessive. Last evaluated: 2024-02-26. Review status: criteria provided, single submitter. Criteria: Invitae Variant Classification Sherloc (09022015). Collection method: clinical testing. Allele origin: germline.
Comment: This sequence change creates a premature translational stop signal (p.Tyr141Ilefs*5) in the IGLL1 gene. While this is not anticipated to result in nonsense mediated decay, it is expected to disrupt the last 73 amino acid(s) of the IGLL1 protein. The frequency data for this variant in the population databases is considered unreliable, as metrics indicate poor data quality at this position in the gnomAD database. This premature translational stop signal has been observed in individual(s) with rheumatic disease and hypogammaglobulinaemia (PMID: 33046446). ClinVar contains an entry for this variant (Variation ID: 962416). Experimental studies and prediction algorithms are not available or were not evaluated, and the functional significance of this variant is currently unknown. In summary, the available evidence is currently insufficient to determine the role of this variant in disease. Therefore, it has been classified as a Variant of Uncertain Significance.

Fulgent Genetics
Classification: Uncertain significance for Agammaglobulinemia 2, autosomal recessive. Last evaluated: 2022-04-07. Review status: criteria provided, single submitter. Criteria: ACMG Guidelines, 2015. Collection method: clinical testing. Allele origin: unknown.

PreventionGenetics, part of Exact Sciences
Classification: Uncertain significance for IGLL1-related condition. Last evaluated: 2024-09-15. Review status: no assertion criteria provided. Collection method: clinical testing. Allele origin: germline. Not counted in ClinVar's aggregate classification.
Comment: The IGLL1 c.421delT variant is predicted to result in a frameshift and premature protein termination (p.Tyr141Ilefs*5). This variant is located in the last exon of IGLL1 and is not predicted to undergo nonsense mediated decay. This variant has been reported in the heterozygous state in an individual with systemic lupus erythematosus (Sogkas et al. 2020. PubMed ID: 33046446). This variant is reported in 0.028% of alleles in individuals of European (Non-Finnish) descent in gnomAD. Although we suspect that this variant may be pathogenic, at this time, the clinical significance of this variant is uncertain due to the absence of conclusive functional and genetic evidence.

Literature cited by the submitters: PubMed 33046446 (cited by Labcorp Genetics (formerly Invitae), Labcorp).